The following is an entry in ClinVar:

NM_004370.6(COL12A1):c.2983+1G>T

Gene: COL12A1 (collagen type XII alpha 1 chain; minus strand). Cytogenetic location: 6q13.
Variant type: single nucleotide variant.
Coding change: c.2983+1G>T on transcript NM_004370.6 (MANE Select); the canonical splice donor site of the intron after coding-DNA position 2983, G replaced by T.
Molecular consequence: splice donor variant. On other transcripts: intron variant (2).
Genome position (GRCh38, 1-based): chr6:75,165,506, C>A on the plus strand (G>T on the coding strand, the complement: COL12A1 is on the minus strand). VCF-style: chr6-75165506-C-A. GRCh37 (hg19) VCF-style: chr6-75875222-C-A.
Other names: c.74-13024G>T (NM_001424116.1, NM_080645.3); c.2710+1G>T (NM_001424115.1); c.2983+1G>T (NM_001424114.1, NM_001424113.1).
Identifiers: ClinVar variation 2944443 (VCV002944443.3), dbSNP rs2533469016, ClinGen allele CA364757191.

ClinVar aggregate classification (germline): Uncertain significance (1 of 4 stars; one submission).

Conditions:
Ullrich congenital muscular dystrophy 2 (UCMD2). Identifiers: Orphanet 75840, MedGen C4225314, MONDO:0014654, OMIM 616470.
Bethlem myopathy 2 (BTHLM2). Identifiers: Orphanet 536516, Orphanet 610, MedGen C4225313, MONDO:0034022, OMIM 616471.

Submission:

Labcorp Genetics (formerly Invitae), Labcorp
Classification: Uncertain significance for Bethlem myopathy 2; Ullrich congenital muscular dystrophy 2. Last evaluated: 2023-07-07. Review status: criteria provided, single submitter. Criteria: Invitae Variant Classification Sherloc (09022015). Collection method: clinical testing. Allele origin: germline.
Comment: This sequence change affects a donor splice site in intron 14 of the COL12A1 gene. Multiple COL12A1 isoforms have been reported, and the functional impact of this variant is uncertain (PMID: 8601036). This variant is not present in population databases (gnomAD no frequency). This variant has not been reported in the literature in individuals affected with COL12A1-related conditions. Variants that disrupt the consensus splice site are a relatively common cause of aberrant splicing (PMID: 17576681, 9536098). Algorithms developed to predict the effect of sequence changes on RNA splicing suggest that this variant may disrupt the consensus splice site. In summary, the available evidence is currently insufficient to determine the role of this variant in disease. Therefore, it has been classified as a Variant of Uncertain Significance.

Literature cited by the submitters: PubMed 8601036; PubMed 17576681; PubMed 9536098.